The following is an entry in ClinVar:

NM_002180.3(IGHMBP2):c.167G>A (p.Arg56His)

Gene: IGHMBP2 (immunoglobulin mu DNA binding protein 2; plus strand). Cytogenetic location: 11q13.3.
Variant type: single nucleotide variant.
Coding change: c.167G>A on transcript NM_002180.3 (MANE Select); coding-DNA position 167, G replaced by A.
Protein change: p.Arg56His; replaces arginine 56 with histidine.
Molecular consequence: missense variant.
Genome position (GRCh38, 1-based): chr11:68,906,149, G>A. VCF-style: chr11-68906149-G-A. GRCh37 (hg19) VCF-style: chr11-68673617-G-A.
Other names: p.Arg56His; short protein forms R56H.
Identifiers: ClinVar variation 546411 (VCV000546411.8), dbSNP rs571887680, ClinGen allele CA6153205.

ClinVar aggregate classification (germline): Uncertain significance. Review status: criteria provided, multiple submitters, no conflicts (2 of 4 stars). 5 submissions from 5 submitters: Uncertain significance (3). 2 of the submissions do not count toward it. Last evaluated 2024-05-07.

Conditions:
Charcot-Marie-Tooth disease axonal type 2S. Also called: CHARCOT-MARIE-TOOTH NEUROPATHY, TYPE 2S; CHARCOT-MARIE-TOOTH DISEASE, AXONAL, AUTOSOMAL RECESSIVE, TYPE 2S. Identifiers: Orphanet 443073, MedGen C4015349, MONDO:0014511, OMIM 616155.
Autosomal recessive distal spinal muscular atrophy 1. Also called: NEURONOPATHY, DISTAL HEREDITARY MOTOR, HARDING TYPE VI; NEUROPATHY, DISTAL HEREDITARY MOTOR, AUTOSOMAL RECESSIVE 1; NEURONOPATHY, SEVERE INFANTILE AXONAL, WITH RESPIRATORY FAILURE; SEVERE INFANTILE AXONAL NEUROPATHY WITH RESPIRATORY FAILURE; SPINAL MUSCULAR ATROPHY, DIAPHRAGMATIC; HMN VI. Identifiers: Orphanet 98920, MedGen C1858517, MONDO:0011436, OMIM 604320.

Allele frequency attached by ClinVar (database versions not stated): ExAC 0.00001; gnomAD 0.00001 and 0.00003; TOPMed 0.00001; gnomAD exomes 0.00002.
gnomAD v4.1: 25 of 1,614,050 alleles (0.0015%); highest among the groups gnomAD compares: South Asian, 0.013%; no homozygotes.

Submissions (5):

Mayo Clinic Laboratories, Mayo Clinic
Classification: Uncertain significance. Last evaluated: 2024-05-07. Review status: criteria provided, single submitter. Criteria: ACMG Guidelines, 2015. Collection method: clinical testing. Allele origin: germline. Observed: 1 variant allele.

Labcorp Genetics (formerly Invitae), Labcorp
Classification: Uncertain significance for Autosomal recessive distal spinal muscular atrophy 1; Charcot-Marie-Tooth disease axonal type 2S. Last evaluated: 2021-10-21. Review status: criteria provided, single submitter. Criteria: Invitae Variant Classification Sherloc (09022015). Collection method: clinical testing. Allele origin: germline.
Comment: This sequence change replaces arginine with histidine at codon 56 of the IGHMBP2 protein (p.Arg56His). The arginine residue is moderately conserved and there is a small physicochemical difference between arginine and histidine. This variant is present in population databases (rs571887680, ExAC 0.006%). This variant has not been reported in the literature in individuals affected with IGHMBP2-related conditions. ClinVar contains an entry for this variant (Variation ID: 546411). Advanced modeling of protein sequence and biophysical properties (such as structural, functional, and spatial information, amino acid conservation, physicochemical variation, residue mobility, and thermodynamic stability) performed at Invitae indicates that this missense variant is not expected to disrupt IGHMBP2 protein function. In summary, the available evidence is currently insufficient to determine the role of this variant in disease. Therefore, it has been classified as a Variant of Uncertain Significance.

GeneDx
Classification: Uncertain significance. Last evaluated: 2018-05-16. Review status: criteria provided, single submitter. Criteria: GeneDx Variant Classification (06012015). Collection method: clinical testing. Allele origin: germline. Affected: yes.
Comment: The R56H variant has not been published as a pathogenic variant, nor has it been reported as a benign variant to our knowledge. The R56H variant is observed in 5/30,782 (0.02%) alleles from individuals of South Asian background (Lek et al., 2016). This variant is a conservative amino acid substitution, which is not likely to impact secondary protein structure as these residues share similar properties. In-silico analyses, including protein predictors and evolutionary conservation, support that this variant does not alter protein structure/function.

Clinical Genetics, Academic Medical Center
Classification: Uncertain significance. Review status: no assertion criteria provided. Collection method: clinical testing. Allele origin: germline. Affected: yes. Study: VKGL Data-share Consensus. Not counted in ClinVar's aggregate classification.

Genome Diagnostics Laboratory, Amsterdam University Medical Center
Classification: Uncertain significance. Review status: no assertion criteria provided. Collection method: clinical testing. Allele origin: germline. Affected: yes. Study: VKGL Data-share Consensus. Not counted in ClinVar's aggregate classification.